The following is an entry in ClinVar:

NM_033380.3(COL4A5):c.2509+599A>T

Gene: COL4A5 (collagen type IV alpha 5 chain; plus strand). Cytogenetic location: Xq22.3.
Variant type: single nucleotide variant.
Coding change: c.2509+599A>T on transcript NM_033380.3 (MANE Select); 599 bases into the intron after coding-DNA position 2509, A replaced by T.
Molecular consequence: intron variant.
Genome position (GRCh38, 1-based): chrX:108,615,623, A>T. VCF-style: chrX-108615623-A-T. GRCh37 (hg19) VCF-style: chrX-107858853-A-T.
Other names: c.2509+599A>T (NM_000495.5).
Identifiers: ClinVar variation 3901917 (VCV003901917.1).

ClinVar aggregate classification (germline): Uncertain significance (1 of 4 stars; one submission).

Conditions:
X-linked Alport syndrome (ATS1). Also called: NEPHROPATHY AND DEAFNESS, X-LINKED; COL4A5-Related Nephropathy. Identifiers: Orphanet 63, Orphanet 88917, MedGen C4746986, MONDO:0010520, OMIM 301050.

Submission:

Laboratorio de Genetica e Diagnostico Molecular, Hospital Israelita Albert Einstein
Classification: Uncertain significance for X-linked Alport syndrome. Last evaluated: 2023-07-07. Review status: criteria provided, single submitter. Criteria: ACMG Guidelines, 2015. Collection method: clinical testing. Allele origin: germline. Affected: yes.
Comment: ACMG classification criteria: PM2 moderate, PP3 supporting